The following is an entry in ClinVar:

NM_006393.3(NEBL):c.2776G>A (p.Gly926Arg)

Gene: NEBL (nebulette; minus strand). Cytogenetic location: 10p12.31.
Variant type: single nucleotide variant.
Coding change: c.2776G>A on transcript NM_006393.3 (MANE Select); coding-DNA position 2776, G replaced by A.
Protein change: p.Gly926Arg; replaces glycine 926 with arginine.
Molecular consequence: missense variant.
Genome position (GRCh38, 1-based): chr10:20,787,294, C>T on the plus strand (G>A on the coding strand, the complement: NEBL is on the minus strand). VCF-style: chr10-20787294-C-T. GRCh37 (hg19) VCF-style: chr10-21076223-C-T.
Other names: c.544G>A, p.Gly182Arg (NM_001173484.2, NM_213569.2); c.637G>A, p.Gly213Arg (NM_001377322.1); c.496G>A, p.Gly166Arg (NM_001377323.1); c.487G>A, p.Gly163Arg (NM_001377324.1); c.478G>A, p.Gly160Arg (NM_001377325.1); c.436G>A, p.Gly146Arg (NM_001377326.1, NM_001377327.1, NM_001377328.1); short protein forms G160R, G163R, G166R, G213R, G926R, G146R, G182R.
Identifiers: ClinVar variation 2731370 (VCV002731370.3), dbSNP rs754463343, ClinGen allele CA376092594.

ClinVar aggregate classification (germline): Uncertain significance (1 of 4 stars; one submission).

Conditions:
Primary dilated cardiomyopathy (DCM). Also called: Dilated Cardiomyopathy. Identifiers: Orphanet 217604, MedGen C0007193, MeSH D002311, MONDO:0005021, HP:0001644. Inheritance: Various modes of inheritance.

Allele frequency attached by ClinVar (database versions not stated): gnomAD exomes below 0.00001; TOPMed below 0.00001.
gnomAD v4.1: 1 of 1,612,806 alleles (0.000062%); highest among the groups gnomAD compares: Non-Finnish European, 0.000085%; no homozygotes.

Submission:

Labcorp Genetics (formerly Invitae), Labcorp
Classification: Uncertain significance for Primary dilated cardiomyopathy. Last evaluated: 2023-10-28. Review status: criteria provided, single submitter. Criteria: Invitae Variant Classification Sherloc (09022015). Collection method: clinical testing. Allele origin: germline.
Comment: This sequence change replaces glycine, which is neutral and non-polar, with arginine, which is basic and polar, at codon 926 of the NEBL protein (p.Gly926Arg). This variant is not present in population databases (gnomAD no frequency). This variant has not been reported in the literature in individuals affected with NEBL-related conditions. An algorithm developed to predict the effect of missense changes on protein structure and function (PolyPhen-2) suggests that this variant is likely to be disruptive. Algorithms developed to predict the effect of sequence changes on RNA splicing suggest that this variant may disrupt the consensus splice site. In summary, the available evidence is currently insufficient to determine the role of this variant in disease. Therefore, it has been classified as a Variant of Uncertain Significance.